The following is an entry in ClinVar:

ClinVar aggregate classification (germline): Benign/Likely benign. Review status: criteria provided, multiple submitters, no conflicts (2 of 4 stars). 4 submissions from 4 submitters: Benign (1); Likely benign (3). Last evaluated 2025-12-29.

Conditions:
Oligodontia-cancer predisposition syndrome. Also called: TOOTH AGENESIS-COLORECTAL CANCER SYNDROME. Identifiers: Orphanet 300576, MedGen C1837750, MONDO:0012075, OMIM 608615. Disease mechanism: loss of function.
Hereditary cancer-predisposing syndrome. Also called: Neoplastic Syndromes, Hereditary; Tumor predisposition; Hereditary Cancer Syndrome; Hereditary neoplastic syndrome. Identifiers: Orphanet 140162, MedGen C0027672, MeSH D009386, MONDO:0015356.

Submissions (4):

Center for Genomic Medicine, Rigshospitalet, Copenhagen University Hospital
Classification: Likely benign. Last evaluated: 2025-12-29. Review status: criteria provided, single submitter. Criteria: ACMG Guidelines, 2015. Collection method: clinical testing. Allele origin: germline.

Ambry Genetics
Classification: Likely benign for Hereditary cancer-predisposing syndrome. Last evaluated: 2025-12-22. Review status: criteria provided, single submitter. Criteria: Ambry Variant Classification Scheme 2023. Collection method: clinical testing. Allele origin: germline.

Myriad Genetics, Inc.
Classification: Benign for Oligodontia-cancer predisposition syndrome. Last evaluated: 2024-07-03. Review status: criteria provided, single submitter. Criteria: Myriad Autosomal Dominant, Autosomal Recessive and X-Linked Classification Criteria (2023). Collection method: clinical testing. Allele origin: unknown.
Comment: This variant is considered benign. This variant is a silent/synonymous amino acid change and it is not expected to impact splicing.

Labcorp Genetics (formerly Invitae), Labcorp
Classification: Likely benign for Oligodontia-cancer predisposition syndrome. Last evaluated: 2024-05-12. Review status: criteria provided, single submitter. Criteria: Invitae Variant Classification Sherloc (09022015). Collection method: clinical testing. Allele origin: germline.

NM_004655.4(AXIN2):c.1437C>G (p.Ser479=)

Gene: AXIN2 (axin 2; minus strand). Cytogenetic location: 17q24.1.
Variant type: single nucleotide variant.
Coding change: c.1437C>G on transcript NM_004655.4 (MANE Select); coding-DNA position 1437, C replaced by G.
Protein change: p.Ser479=; no amino-acid change (serine 479 retained).
Molecular consequence: synonymous variant.
Genome position (GRCh38, 1-based): chr17:65,537,599, G>C on the plus strand (C>G on the coding strand, the complement: AXIN2 is on the minus strand). VCF-style: chr17-65537599-G-C. GRCh37 (hg19) VCF-style: chr17-63533717-G-C.
Other names: c.1437C>G, p.Ser479= (NM_001363813.1); c.1437C>G (NM_004655.3).
Identifiers: ClinVar variation 1136193 (VCV001136193.13), dbSNP rs1287699534, ClinGen allele CA501691658.